The following is an entry in ClinVar:

NM_001101.5(ACTB):c.1027G>A (p.Gly343Ser)

Gene: ACTB (actin beta; minus strand). Cytogenetic location: 7p22.1.
Variant type: single nucleotide variant.
Coding change: c.1027G>A on transcript NM_001101.5 (MANE Select); coding-DNA position 1027, G replaced by A.
Protein change: p.Gly343Ser; replaces glycine 343 with serine.
Molecular consequence: missense variant.
Genome position (GRCh38, 1-based): chr7:5,527,849, C>T on the plus strand (G>A on the coding strand, the complement: ACTB is on the minus strand). VCF-style: chr7-5527849-C-T. GRCh37 (hg19) VCF-style: chr7-5567480-C-T.
Other names: short protein forms G343S.
Identifiers: ClinVar variation 4855352 (VCV004855352.1).

ClinVar aggregate classification (germline): Uncertain significance (1 of 4 stars; one submission).

Conditions:
ACTB-related disorder. Also called: ACTB-related disorders; ACTB-related condition.

Submission:

3billion
Classification: Uncertain significance for ACTB-related disorder. Last evaluated: 2025-12-29. Review status: criteria provided, single submitter. Criteria: ACMG Guidelines, 2015. Collection method: clinical testing. Allele origin: germline. Affected: yes.
Comment: The variant is not observed in the gnomAD v4.1.0 dataset. Predicted Consequence/Location: The variant is located in a mutational hot spot and/or well-established functional domain in which established pathogenic variants have been reported. Missense variant. Missense changes are a common disease-causing mechanism. In silico tool predictions suggest damaging effect of the variant on gene or gene product [REVEL: 0.96 (>=0.6, sensitivity 0.68 and specificity 0.92); 3Cnet: 0.99 (> 0.75, sensitivity 0.96 and precision 0.92)]. Different missense changes at the same codon have been reported as of uncertain significance (ClinVar ID: VCV000393092). Therefore, this variant is classified as VUS according to the recommendation of ACMG/AMP guideline.